The following is an entry in ClinVar:

ClinVar aggregate classification (germline): Uncertain significance (1 of 4 stars; one submission).

Conditions:
Inborn genetic diseases. Identifiers: MedGen C0950123, MeSH D030342.

Allele frequency attached by ClinVar (database versions not stated): gnomAD exomes below 0.00001; TOPMed below 0.00001; ExAC 0.00001.
gnomAD v4.1: 6 of 1,606,944 alleles (0.00037%); highest among the groups gnomAD compares: East Asian, 0.0022%; no homozygotes.

Submission:

Ambry Genetics
Classification: Uncertain significance for Inborn genetic diseases. Last evaluated: 2022-05-06. Review status: criteria provided, single submitter. Criteria: Ambry Variant Classification Scheme 2023. Collection method: clinical testing. Allele origin: germline.
Comment: The p.R741Q variant (also known as c.2222G>A), located in coding exon 14 of the PIK3CA gene, results from a G to A substitution at nucleotide position 2222. The arginine at codon 741 is replaced by glutamine, an amino acid with highly similar properties. This amino acid position is conserved. In addition, this alteration is predicted to be tolerated by in silico analysis. Since supporting evidence is limited at this time, the clinical significance of this alteration remains unclear.

NM_006218.4(PIK3CA):c.2222G>A (p.Arg741Gln)

Gene: PIK3CA (phosphatidylinositol-4,5-bisphosphate 3-kinase catalytic subunit alpha; plus strand). Cytogenetic location: 3q26.32.
Variant type: single nucleotide variant.
Coding change: c.2222G>A on transcript NM_006218.4 (MANE Select); coding-DNA position 2222, G replaced by A.
Protein change: p.Arg741Gln; replaces arginine 741 with glutamine.
Molecular consequence: missense variant.
Genome position (GRCh38, 1-based): chr3:179,224,115, G>A. VCF-style: chr3-179224115-G-A. GRCh37 (hg19) VCF-style: chr3-178941903-G-A.
Other names: short protein forms R741Q.
Identifiers: ClinVar variation 1787955 (VCV001787955.2), dbSNP rs767744576, ClinGen allele CA2710907.